The following is an entry in ClinVar:

NM_001267550.2(TTN):c.69903C>A (p.Phe23301Leu)

Genes: TTN (titin; minus strand), TTN-AS1 (TTN antisense RNA 1; plus strand), LOC126806422 (BRD4-independent group 4 enhancer GRCh37_chr2:179440205-179441404; plus strand). Cytogenetic location: 2q31.2.
Variant type: single nucleotide variant.
Coding change: c.69903C>A on transcript NM_001267550.2 (MANE Select); coding-DNA position 69903, C replaced by A.
Protein change: p.Phe23301Leu; replaces phenylalanine 23301 with leucine.
Molecular consequence: missense variant.
Genome position (GRCh38, 1-based): chr2:178,576,229, G>T on the plus strand (C>A on the coding strand, the complement: TTN is on the minus strand). VCF-style: chr2-178576229-G-T. GRCh37 (hg19) VCF-style: chr2-179440956-G-T.
Other names: p.F21660L:TTC>TTA; c.64980C>A, p.Phe21660Leu (NM_001256850.1); c.62199C>A, p.Phe20733Leu (NM_133378.4); c.42708C>A, p.Phe14236Leu (NM_003319.4); c.43083C>A, p.Phe14361Leu (NM_133432.3); c.43284C>A, p.Phe14428Leu (NM_133437.4); short protein forms F23301L, F20733L, F21660L, F14428L, F14236L, F14361L.
Identifiers: ClinVar variation 47278 (VCV000047278.47), dbSNP rs372799151, ClinGen allele CA140543.

ClinVar aggregate classification (germline): Conflicting classifications of pathogenicity. Review status: criteria provided, conflicting classifications (1 of 4 stars). 11 submissions from 11 submitters: Uncertain significance (4); Benign (2); Likely benign (4). 1 of the submissions does not count toward it. Last evaluated 2026-02-01.

Conditions:
TTN-related disorder. Also called: TTN-related condition; TTN-related disease; TTN-related disorders.
Cardiovascular phenotype. Identifiers: MedGen CN230736.
Dilated cardiomyopathy 1G (CMD1G). Identifiers: Orphanet 154, MedGen C1858763, MONDO:0011400, OMIM 604145.
Autosomal recessive limb-girdle muscular dystrophy type 2J (LGMDR10). Also called: Limb-girdle muscular dystrophy, type 2J; MUSCULAR DYSTROPHY, LIMB-GIRDLE, AUTOSOMAL RECESSIVE 10. Identifiers: Orphanet 140922, MedGen C1837342, MONDO:0012127, OMIM 608807.
Cardiomyopathy (CMYO). Also called: Cardiomyopathies. Identifiers: Orphanet 167848, MedGen C0878544, MONDO:0004994, HP:0001638. Inheritance: Various modes of inheritance.

Allele frequency attached by ClinVar (database versions not stated): 1000 Genomes Project 0.00020; 1000 Genomes Project 30x 0.00031; ESP Exome Variant Server 0.00033; TOPMed 0.00088.
gnomAD v4.1: 197 of 1,612,856 alleles (0.012%); highest among the groups gnomAD compares: African/African-American, 0.25%; no homozygotes.

Submissions (11):

Labcorp Genetics (formerly Invitae), Labcorp
Classification: Likely benign for Dilated cardiomyopathy 1G; Autosomal recessive limb-girdle muscular dystrophy type 2J. Last evaluated: 2026-02-01. Review status: criteria provided, single submitter. Criteria: Invitae Variant Classification Sherloc (09022015). Collection method: clinical testing. Allele origin: germline.

Revvity Omics, Revvity
Classification: Uncertain significance. Last evaluated: 2025-06-16. Review status: criteria provided, single submitter. Criteria: ACMG Guidelines, 2015. Collection method: clinical testing. Allele origin: germline.

CeGaT Center for Human Genetics Tuebingen
Classification: Uncertain significance. Last evaluated: 2024-08-01. Review status: criteria provided, single submitter. Criteria: CeGaT Center For Human Genetics Tuebingen Variant Classification Criteria Version 2. Collection method: clinical testing. Allele origin: germline. Affected: yes. Observed: 1 variant allele.

ARUP Laboratories, Molecular Genetics and Genomics, ARUP Laboratories
Classification: Likely benign. Last evaluated: 2022-09-20. Review status: criteria provided, single submitter. Criteria: ARUP Molecular Germline Variant Investigation Process 2021. Collection method: clinical testing. Allele origin: germline.

Athena Diagnostics
Classification: Benign. Last evaluated: 2019-06-17. Review status: criteria provided, single submitter. Criteria: Athena Diagnostics Criteria. Collection method: clinical testing. Allele origin: germline.

Ambry Genetics
Classification: Likely benign for Cardiovascular phenotype. Last evaluated: 2019-05-03. Review status: criteria provided, single submitter. Criteria: Ambry Variant Classification Scheme 2023. Collection method: clinical testing. Allele origin: germline.

CHEO Genetics Diagnostic Laboratory, Children's Hospital of Eastern Ontario
Classification: Benign for Cardiomyopathy. Last evaluated: 2018-02-01. Review status: criteria provided, single submitter. Criteria: ACMG Guidelines, 2015. Collection method: clinical testing. Allele origin: germline.

GeneDx
Classification: Likely benign. Last evaluated: 2017-11-30. Review status: criteria provided, single submitter. Criteria: GeneDx Variant Classification (06012015). Collection method: clinical testing. Allele origin: germline. Affected: yes.
Comment: This variant is considered likely benign or benign based on one or more of the following criteria: it is a conservative change, it occurs at a poorly conserved position in the protein, it is predicted to be benign by multiple in silico algorithms, and/or has population frequency not consistent with disease.

Eurofins Ntd Llc (ga)
Classification: Uncertain significance. Last evaluated: 2017-03-09. Review status: criteria provided, single submitter. Criteria: EGL Classification Definitions 2015. Collection method: clinical testing. Allele origin: germline. Observed: 2 variant alleles, 2 heterozygotes.

Laboratory for Molecular Medicine, Mass General Brigham Personalized Medicine
Classification: Uncertain significance. Last evaluated: 2014-03-06. Review status: criteria provided, single submitter. Criteria: LMM Criteria. Collection method: clinical testing. Allele origin: germline. Observed: 3 variant alleles.

PreventionGenetics, part of Exact Sciences
Classification: Likely benign for TTN-related condition. Last evaluated: 2022-09-08. Review status: no assertion criteria provided. Collection method: clinical testing. Allele origin: germline. Not counted in ClinVar's aggregate classification.
Comment: This variant is classified as likely benign based on ACMG/AMP sequence variant interpretation guidelines (Richards et al. 2015 PMID: 25741868, with internal and published modifications).